The following is an entry in ClinVar:

NM_005751.5(AKAP9):c.209C>A (p.Ser70Tyr)

Gene: AKAP9 (A-kinase anchoring protein 9; plus strand). Cytogenetic location: 7q21.2.
Variant type: single nucleotide variant.
Coding change: c.209C>A on transcript NM_005751.5 (MANE Select); coding-DNA position 209, C replaced by A.
Protein change: p.Ser70Tyr; replaces serine 70 with tyrosine.
Molecular consequence: missense variant.
Genome position (GRCh38, 1-based): chr7:91,973,871, C>A. VCF-style: chr7-91973871-C-A. GRCh37 (hg19) VCF-style: chr7-91603185-C-A.
Other names: c.209C>A, p.Ser70Tyr (NM_147185.3); short protein forms S70Y.
Identifiers: ClinVar variation 1785854 (VCV001785854.5), dbSNP rs765951390, ClinGen allele CA4335747.

ClinVar aggregate classification (germline): Uncertain significance. Review status: criteria provided, multiple submitters, no conflicts (2 of 4 stars). 2 submissions from 2 submitters: Uncertain significance (2). Last evaluated 2026-08-12.

Conditions:
Cardiovascular phenotype. Identifiers: MedGen CN230736.
Long QT syndrome (LQTS). Identifiers: MedGen C0023976, MeSH D008133, MONDO:0002442. Disease mechanism: loss of function. Inheritance: Various modes of inheritance.

Allele frequency attached by ClinVar (database versions not stated): TOPMed 0.00001; gnomAD 0.00001.
gnomAD v4.1: 6 of 1,613,832 alleles (0.00037%); highest among the groups gnomAD compares: Non-Finnish European, 0.00051%; no homozygotes.

Submissions (2):

Ambry Genetics
Classification: Uncertain significance for Cardiovascular phenotype. Last evaluated: 2026-08-12. Review status: criteria provided, single submitter. Criteria: Ambry Variant Classification Scheme 2023. Collection method: clinical testing. Allele origin: germline.

Labcorp Genetics (formerly Invitae), Labcorp
Classification: Uncertain significance for Long QT syndrome. Last evaluated: 2025-07-16. Review status: criteria provided, single submitter. Criteria: Invitae Variant Classification Sherloc (09022015). Collection method: clinical testing. Allele origin: germline.
Comment: This sequence change replaces serine, which is neutral and polar, with tyrosine, which is neutral and polar, at codon 70 of the AKAP9 protein (p.Ser70Tyr). This variant is present in population databases (rs765951390, gnomAD 0.002%). This variant has not been reported in the literature in individuals affected with AKAP9-related conditions. ClinVar contains an entry for this variant (Variation ID: 1785854). An algorithm developed to predict the effect of missense changes on protein structure and function (PolyPhen-2) suggests that this variant is likely to be disruptive. In summary, the available evidence is currently insufficient to determine the role of this variant in disease. Therefore, it has been classified as a Variant of Uncertain Significance.